The following is an entry in ClinVar:

NM_001366207.1(DLG1):c.1017A>G (p.Leu339=)

Gene: DLG1 (discs large MAGUK scaffold protein 1; minus strand). Cytogenetic location: 3q29.
Variant type: single nucleotide variant.
Coding change: c.1017A>G on transcript NM_001366207.1 (MANE Select); coding-DNA position 1017, A replaced by G.
Protein change: p.Leu339=; no amino-acid change (leucine 339 retained).
Molecular consequence: synonymous variant. On other transcripts: non-coding transcript variant (4).
Genome position (GRCh38, 1-based): chr3:197,136,545, T>C on the plus strand (A>G on the coding strand, the complement: DLG1 is on the minus strand). VCF-style: chr3-197136545-T-C. GRCh37 (hg19) VCF-style: chr3-196863416-T-C.
Other names: c.1116A>G, p.Leu372= (NM_001098424.1, NM_001290983.2, NM_001366214.1 and 2 more transcripts); c.1017A>G, p.Leu339= (NM_001204386.1, NM_001363865.1, NM_001366204.1 and 9 more transcripts); c.768A>G, p.Leu256= (NM_001204387.2, NM_001204388.2); c.963A>G, p.Leu321= (NM_001366203.1, NM_001366206.1, NM_001366216.1 and 2 more transcripts); c.867A>G, p.Leu289= (NM_001366221.1, NM_001366222.1).
Identifiers: ClinVar variation 3041588 (VCV003041588.2), dbSNP rs752891618, ClinGen allele CA2785604.

ClinVar aggregate classification (germline): Likely benign (0 of 4 stars; one submission).

Conditions:
DLG1-related disorder. Also called: DLG1-related condition.

Allele frequency attached by ClinVar (database versions not stated): ExAC 0.00001; gnomAD 0.00001; gnomAD exomes 0.00001; TOPMed 0.00001.
gnomAD v4.1: 12 of 1,607,582 alleles (0.00075%); highest among the groups gnomAD compares: Non-Finnish European, 0.001%; no homozygotes.

Submission:

PreventionGenetics, part of Exact Sciences
Classification: Likely benign for DLG1-related condition. Last evaluated: 2022-01-14. Review status: no assertion criteria provided. Collection method: clinical testing. Allele origin: germline.
Comment: This variant is classified as likely benign based on ACMG/AMP sequence variant interpretation guidelines (Richards et al. 2015 PMID: 25741868, with internal and published modifications).